The following is an entry in ClinVar:

NM_004974.4(KCNA2):c.565C>T (p.Arg189Trp)

Gene: KCNA2 (potassium voltage-gated channel subfamily A member 2; minus strand). Cytogenetic location: 1p13.3.
Variant type: single nucleotide variant.
Coding change: c.565C>T on transcript NM_004974.4 (MANE Select); coding-DNA position 565, C replaced by T.
Protein change: p.Arg189Trp; replaces arginine 189 with tryptophan.
Molecular consequence: missense variant.
Genome position (GRCh38, 1-based): chr1:110,604,218, G>A on the plus strand (C>T on the coding strand, the complement: KCNA2 is on the minus strand). VCF-style: chr1-110604218-G-A. GRCh37 (hg19) VCF-style: chr1-111146840-G-A.
Other names: c.565C>T, p.Arg189Trp (NM_001204269.2); short protein forms R189W.
Identifiers: ClinVar variation 569307 (VCV000569307.10), dbSNP rs770611476, ClinGen allele CA1000701.

ClinVar aggregate classification (germline): Uncertain significance (1 of 4 stars; one submission).

Conditions:
Developmental and epileptic encephalopathy, 32 (DEE32). Also called: Epileptic encephalopathy, early infantile, 32. Identifiers: Orphanet 442835, MedGen C4225350, MONDO:0014607, OMIM 616366.

Allele frequency attached by ClinVar (database versions not stated): gnomAD exomes below 0.00001 and 0.00001; TOPMed below 0.00001; ExAC 0.00001; gnomAD 0.00001.

Submission:

Labcorp Genetics (formerly Invitae), Labcorp
Classification: Uncertain significance for Developmental and epileptic encephalopathy, 32. Last evaluated: 2024-02-05. Review status: criteria provided, single submitter. Criteria: Invitae Variant Classification Sherloc (09022015). Collection method: clinical testing. Allele origin: germline.
Comment: This sequence change replaces arginine, which is basic and polar, with tryptophan, which is neutral and slightly polar, at codon 189 of the KCNA2 protein (p.Arg189Trp). This variant is present in population databases (rs770611476, gnomAD 0.004%). This missense change has been observed in individual(s) with clinical features of KCNA2-related conditions (Invitae). ClinVar contains an entry for this variant (Variation ID: 569307). Advanced modeling of protein sequence and biophysical properties (such as structural, functional, and spatial information, amino acid conservation, physicochemical variation, residue mobility, and thermodynamic stability) performed at Invitae indicates that this missense variant is expected to disrupt KCNA2 protein function with a positive predictive value of 80%. In summary, the available evidence is currently insufficient to determine the role of this variant in disease. Therefore, it has been classified as a Variant of Uncertain Significance.